The following is an entry in ClinVar:

NM_001190737.2(NFIB):c.629A>T (p.Asp210Val)

Gene: NFIB (nuclear factor I B; minus strand). Cytogenetic location: 9p23.
Variant type: single nucleotide variant.
Coding change: c.629A>T on transcript NM_001190737.2 (MANE Select); coding-DNA position 629, A replaced by T.
Protein change: p.Asp210Val; replaces aspartic acid 210 with valine.
Molecular consequence: missense variant. On other transcripts: 5 prime UTR variant (1), non-coding transcript variant (4).
Genome position (GRCh38, 1-based): chr9:14,155,881, T>A on the plus strand (A>T on the coding strand, the complement: NFIB is on the minus strand). VCF-style: chr9-14155881-T-A. GRCh37 (hg19) VCF-style: chr9-14155880-T-A.
Other names: c.707A>T, p.Asp236Val (NM_001190738.2); c.-128A>T (NM_001282787.2); c.695A>T, p.Asp232Val (NM_001369458.1, NM_001369459.1, NM_001369462.1 and 1 more transcripts); c.617A>T, p.Asp206Val (NM_001369460.1, NM_001369463.1, NM_001369466.1 and 2 more transcripts); c.629A>T, p.Asp210Val (NM_001369461.1, NM_001369464.1, NM_001429577.1 and 2 more transcripts); c.602A>T, p.Asp201Val (NM_001369465.1, NM_001369467.1, NM_001369476.1); c.485A>T, p.Asp162Val (NM_001369469.1); c.92A>T, p.Asp31Val (NM_001369480.1, NM_001369479.1); and 4 more; short protein forms D131V, D135V, D162V, D192V, D201V, D205V, D206V, D210V.
Identifiers: ClinVar variation 4874723 (VCV004874723.2).

ClinVar aggregate classification (germline): Uncertain significance (1 of 4 stars; one submission).

Submission:

CeGaT Center for Human Genetics Tuebingen
Classification: Uncertain significance. Last evaluated: 2026-04-01. Review status: criteria provided, single submitter. Criteria: CeGaT Center For Human Genetics Tuebingen Variant Classification Criteria Version 2. Collection method: clinical testing. Allele origin: germline. Affected: yes. Observed: 1 variant allele.
Comment: NFIB: PM2